The following is an entry in ClinVar:

ClinVar aggregate classification (germline): Uncertain significance (1 of 4 stars; one submission).

Conditions:
Renpenning syndrome. Also called: MENTAL RETARDATION, X-LINKED 55; MENTAL RETARDATION, X-LINKED, SYNDROMIC 8; SUTHERLAND-HAAN X-LINKED MENTAL RETARDATION SYNDROME; GOLABI-ITO-HALL SYNDROME; Mental retardation, X-linked Renpenning type; X-linked mental retardation with spastic diplegia. Identifiers: Orphanet 3242, MedGen C0796135, MONDO:0010653, OMIM 309500.

Allele frequency attached by ClinVar (database versions not stated): TOPMed 0.00002.

Submission:

Institute of Human Genetics, University of Goettingen
Classification: Uncertain significance for Renpenning syndrome. Last evaluated: 2021-03-03. Review status: criteria provided, single submitter. Criteria: ACMG Guidelines, 2015. Collection method: clinical testing. Allele origin: germline. Inheritance: X-linked recessive inheritance. Affected: yes. Observed: 1 variant allele, 1 hemizygote.
Comment: This variant was not described before. ItÂ´s absent from gnomAD and mutation type was described for the disease. The variant was predicted to be damaging for the function. In summary based on the ACMG criteria PM2, PP2, PP3 we classify this variant as Variant of unknown clinical significance.

NM_001032382.2(PQBP1):c.313C>T (p.Arg105Trp)

Gene: PQBP1 (polyglutamine binding protein 1; plus strand). Cytogenetic location: Xp11.23.
Variant type: single nucleotide variant.
Coding change: c.313C>T on transcript NM_001032382.2 (MANE Select); coding-DNA position 313, C replaced by T.
Protein change: p.Arg105Trp; replaces arginine 105 with tryptophan.
Molecular consequence: missense variant. On other transcripts: intron variant (2).
Genome position (GRCh38, 1-based): chrX:48,902,253, C>T. VCF-style: chrX-48902253-C-T. GRCh37 (hg19) VCF-style: chrX-48759530-C-T.
Other names: c.202-189C>T (NM_001167992.1); c.313C>T, p.Arg105Trp (NM_005710.2, NM_001032383.2, NM_001032384.1 and 2 more transcripts); c.292+211C>T (NM_144495.3); c.289C>T, p.Arg97Trp (NM_001167990.2); short protein forms R105W, R97W.
Identifiers: ClinVar variation 998089 (VCV000998089.3), dbSNP rs1222724041, ClinGen allele CA412889312.